The following is an entry in ClinVar:

ClinVar aggregate classification (germline): Pathogenic. Review status: criteria provided, multiple submitters, no conflicts (2 of 4 stars). 11 submissions from 11 submitters: Pathogenic (7). 4 of the submissions do not count toward it. Last evaluated 2026-04-07.

Conditions:
MOCS1-related disorder. Also called: MOCS1-related condition.
Sulfite oxidase deficiency due to molybdenum cofactor deficiency type A. Also called: Molybdenum cofactor deficiency, complementation group A; Molybdenum Cofactor Deficiency A. Identifiers: Orphanet 308386, Orphanet 833, MedGen C1854988, MONDO:0009643, OMIM 252150.

Allele frequency attached by ClinVar (database versions not stated): ExAC 0.00003; gnomAD exomes 0.00004 and 0.00005; gnomAD 0.00006; ESP Exome Variant Server 0.00008; TOPMed 0.00008.
gnomAD v4.1: 83 of 1,612,686 alleles (0.0051%); highest among the groups gnomAD compares: Non-Finnish European, 0.0069%; no homozygotes.

Submissions (11):

PreventionGenetics, part of Exact Sciences
Classification: Pathogenic for MOCS1-related condition. Last evaluated: 2026-04-07. Review status: criteria provided, single submitter. Criteria: ACMG Guidelines, 2015. Collection method: clinical testing. Allele origin: germline.
Comment: The MOCS1 c.418+1G>A variant is predicted to disrupt the GT donor site and interfere with normal splicing. This variant has been reported in the homozygous state or with a second MOCS1 variant in several individuals with molybdenum cofactor deficiency (Reiss et al. 1998. PubMed ID: 9921896; Lubout et al. 2017. PubMed ID: 29274890; Spiegel et al. 2022. PubMed ID: 35192225). This variant is reported in 0.012% of alleles in individuals of African descent in gnomAD. Variants that disrupt the consensus splice donor site in MOCS1 are expected to be pathogenic. This variant is interpreted as pathogenic.

Labcorp Genetics (formerly Invitae), Labcorp
Classification: Pathogenic for Sulfite oxidase deficiency due to molybdenum cofactor deficiency type A. Last evaluated: 2025-01-25. Review status: criteria provided, single submitter. Criteria: Invitae Variant Classification Sherloc (09022015). Collection method: clinical testing. Allele origin: germline.
Comment: This sequence change affects a donor splice site in intron 3 of the MOCS1 gene. It is expected to disrupt RNA splicing. Variants that disrupt the donor or acceptor splice site typically lead to a loss of protein function (PMID: 16199547), and loss-of-function variants in MOCS1 are known to be pathogenic (PMID: 12754701, 16021469). This variant is present in population databases (rs141982812, gnomAD 0.01%). Disruption of this splice site has been observed in individuals with molybdenum cofactor deficiency (PMID: 9921896, 28274890). ClinVar contains an entry for this variant (Variation ID: 6120). Algorithms developed to predict the effect of sequence changes on RNA splicing suggest that this variant may disrupt the consensus splice site. For these reasons, this variant has been classified as Pathogenic.

Fulgent Genetics
Classification: Pathogenic for Sulfite oxidase deficiency due to molybdenum cofactor deficiency type A. Last evaluated: 2023-12-27. Review status: criteria provided, single submitter. Criteria: ACMG Guidelines, 2015. Collection method: clinical testing. Allele origin: germline.

CeGaT Center for Human Genetics Tuebingen
Classification: Pathogenic. Last evaluated: 2023-06-01. Review status: criteria provided, single submitter. Criteria: CeGaT Center For Human Genetics Tuebingen Variant Classification Criteria Version 2. Collection method: clinical testing. Allele origin: germline. Affected: yes. Observed: 2 variant alleles.
Comment: MOCS1: PM3:Very Strong, PM2, PVS1:Moderate

Women's Health and Genetics/Laboratory Corporation of America, LabCorp
Classification: Pathogenic for Sulfite oxidase deficiency due to molybdenum cofactor deficiency type A. Last evaluated: 2023-05-04. Review status: criteria provided, single submitter. Criteria: LabCorp Variant Classification Summary - May 2015. Collection method: clinical testing. Allele origin: germline.
Comment: Variant summary: MOCS1 c.418+1G>A is located in a canonical splice-site and is predicted to affect mRNA splicing resulting in a significantly altered protein due to either exon skipping, shortening, or inclusion of intronic material. Several computational tools predict a significant impact on normal splicing: Four predict the variant abolishes a 5' splicing donor site. The variant allele was found at a frequency of 4.4e-05 in 249380 control chromosomes. c.418+1G>A has been reported in the literature in homozygotes and compound heterozygous individuals affected with Sulfite Oxidase Deficiency Due To Molybdenum Cofactor Deficiency Type A (example: Reiss_1998). These data indicate that the variant is likely to be associated with disease. To our knowledge, no experimental evidence demonstrating an impact on protein function has been reported. The following publications have been ascertained in the context of this evaluation (PMID: 9921896). Three clinical diagnostic laboratories have submitted clinical-significance assessments for this variant to ClinVar after 2014 without evidence for independent evaluation. All laboratories classified the variant as pathogenic. Based on the evidence outlined above, the variant was classified as pathogenic.

Victorian Clinical Genetics Services, Murdoch Childrens Research Institute
Classification: Pathogenic for Sulfite oxidase deficiency due to molybdenum cofactor deficiency type A. Last evaluated: 2020-10-19. Review status: criteria provided, single submitter. Criteria: ACMG Guidelines, 2015. Collection method: clinical testing. Allele origin: germline. Inheritance: Autosomal recessive inheritance.
Comment: Based on the classification scheme VCGS_Germline_v1.3.3, this variant is classified as Pathogenic. Following criteria are met: 0102 - Loss of function is a known mechanism of disease in this gene and is associated with molybdenum cofactor deficiency A (MIM#252150). (I) 0106 - This gene is associated with autosomal recessive disease. (I) 0211 - Canonical splice site variant without proven consequence on splicing (no functional evidence available). (SP) 0251 - This variant is heterozygous. (I) 0304 - Variant is present in gnomAD v2 <0.01 for a recessive condition (16 heterozygotes, 0 homozygotes). (SP) 0505 - Abnormal splicing is predicted by in silico tools and affected nucleotide is highly conserved. (SP) 0705 - No comparable splice variants have previous evidence for pathogenicity. (I) 0801 - This variant has strong previous evidence of pathogenicity in unrelated individuals. This variant has been reported in multiple compound heterozygous and homozygous patients with molybdenum cofactor deficiency (ClinVar, LOVD, PMID: 9921896, PMID: 22403017). (SP) 1208 - Inheritance information for this variant is not currently available in this individual. (I) Legend: (SP) - Supporting pathogenic, (I) - Information, (SB) - Supporting benign

Eurofins Ntd Llc (ga)
Classification: Pathogenic. Last evaluated: 2018-03-19. Review status: criteria provided, single submitter. Criteria: EGL ClinVar v180209 classification definitions. Collection method: clinical testing. Allele origin: germline. Observed: 1 variant allele, 1 heterozygote.

OMIM
Classification: Pathogenic for MOLYBDENUM COFACTOR DEFICIENCY, TYPE A. Last evaluated: 1999-04-01. Review status: no assertion criteria provided. Collection method: literature only. Allele origin: germline. Not counted in ClinVar's aggregate classification.

Diagnostic Laboratory, Department of Genetics, University Medical Center Groningen
Classification: Pathogenic. Review status: no assertion criteria provided. Collection method: clinical testing. Allele origin: germline. Affected: yes. Study: VKGL Data-share Consensus. Not counted in ClinVar's aggregate classification.

Genome Diagnostics Laboratory, Amsterdam University Medical Center
Classification: Pathogenic. Review status: no assertion criteria provided. Collection method: clinical testing. Allele origin: germline. Affected: yes. Study: VKGL Data-share Consensus. Not counted in ClinVar's aggregate classification.

Joint Genome Diagnostic Labs from Nijmegen and Maastricht, Radboudumc and MUMC+
Classification: Likely pathogenic. Review status: no assertion criteria provided. Collection method: clinical testing. Allele origin: germline. Affected: yes. Study: VKGL Data-share Consensus. Not counted in ClinVar's aggregate classification.

Literature cited by the submitters: PubMed 16199547 (cited by Labcorp Genetics (formerly Invitae), Labcorp); PubMed 12754701 (cited by Labcorp Genetics (formerly Invitae), Labcorp); PubMed 16021469 (cited by Labcorp Genetics (formerly Invitae), Labcorp); PubMed 9921896 (cited by 4 submitters); PubMed 28274890 (cited by Labcorp Genetics (formerly Invitae), Labcorp); PubMed 22403017 (cited by Victorian Clinical Genetics Services, Murdoch Childrens Research Institute); PubMed 10327149 (cited by OMIM).

NM_001358530.2(MOCS1):c.418+1G>A

Gene: MOCS1 (molybdenum cofactor synthesis 1; minus strand). Cytogenetic location: 6p21.2.
Variant type: single nucleotide variant.
Coding change: c.418+1G>A on transcript NM_001358530.2 (MANE Select); the canonical splice donor site of the intron after coding-DNA position 418, G replaced by A.
Molecular consequence: splice donor variant.
Genome position (GRCh38, 1-based): chr6:39,925,677, C>T on the plus strand (G>A on the coding strand, the complement: MOCS1 is on the minus strand). VCF-style: chr6-39925677-C-T. GRCh37 (hg19) VCF-style: chr6-39893421-C-T.
Other names: IVS2DS, G-A, +1; c.418+1G>A (NM_005943.5, NM_001358529.2, NM_001075098.4 and 1 more transcripts); c.157+1G>A (NM_001358531.2, NM_001358533.2, NM_001358534.2).
Identifiers: ClinVar variation 6120 (VCV000006120.51), dbSNP rs141982812, ClinGen allele CA117957.
Genomic context (GRCh38, chr6:39,925,677, plus strand): 5'-TCAGTGTCCAGCCGGATGAGGCAGCGCTGGGAGAAGTGGCGATGACTTTCGTCCAACTCA[C>T]CCACAATGTCCACCACGTCCGGCCGGATAAGCGGCTCTCCACCTGTGAGCCGGATCTTGT-3'